The following is an entry in ClinVar:

ClinVar aggregate classification (germline): Likely benign. Review status: criteria provided, multiple submitters, no conflicts (2 of 4 stars). 2 submissions from 2 submitters: Likely benign (2). Last evaluated 2025-05-07.

Allele frequency attached by ClinVar (database versions not stated): gnomAD 0.00007; TOPMed 0.00007; ExAC 0.00009; gnomAD exomes 0.00009; ESP Exome Variant Server 0.00017.
gnomAD v4.1: 130 of 1,529,994 alleles (0.0085%); highest among the groups gnomAD compares: Non-Finnish European, 0.01%; no homozygotes.

Submissions (2):

Mayo Clinic Laboratories, Mayo Clinic
Classification: Likely benign. Last evaluated: 2025-05-07. Review status: criteria provided, single submitter. Criteria: ACMG Guidelines, 2015. Collection method: clinical testing. Allele origin: germline. Observed: 1 variant allele.
Comment: BP4, BP7

Labcorp Genetics (formerly Invitae), Labcorp
Classification: Likely benign. Last evaluated: 2025-03-18. Review status: criteria provided, single submitter. Criteria: Invitae Variant Classification Sherloc (09022015). Collection method: clinical testing. Allele origin: germline.

NM_016529.6(ATP8A2):c.2212-9T>C

Gene: ATP8A2 (ATPase phospholipid transporting 8A2). Cytogenetic location: 13q12.13.
Variant type: single nucleotide variant.
Coding change: c.2212-9T>C on transcript NM_016529.6 (MANE Select); 9 bases into the intron before coding-DNA position 2212, T replaced by C.
Molecular consequence: intron variant.
Genome position (GRCh38, 1-based): chr13:25,699,164, T>C. VCF-style: chr13-25699164-T-C. GRCh37 (hg19) VCF-style: chr13-26273302-T-C.
Other names: p.?; c.2212-9T>C (NM_001411005.1, NM_001411006.1); c.2092-9T>C (NM_001313741.1).
Identifiers: ClinVar variation 3022852 (VCV003022852.4), dbSNP rs372386111, ClinGen allele CA6923256.